The following is an entry in ClinVar:

NM_000179.3(MSH6):c.4002-6_4002-1del

Gene: MSH6 (mutS homolog 6; plus strand). Cytogenetic location: 2p16.3.
Variant type: Deletion.
Coding change: c.4002-6_4002-1del on transcript NM_000179.3 (MANE Select); 6 bases into the intron before coding-DNA position 4002 through the canonical splice acceptor site of the intron before coding-DNA position 4002, 6 bases deleted (TTTAAG; older notation c.4002-6_4002-1delTTTAAG).
Molecular consequence: splice acceptor variant.
Genome position (GRCh38, 1-based): chr2:47,806,773-47,806,778, TTTAAG deleted. VCF-style (leftmost placement, unchanged base first): chr2-47806772-TTTTAAG-T. GRCh37 (hg19) VCF-style: chr2-48033911-TTTTAAG-T.
Other names: c.3096-6_3096-1del (NM_001281493.2, NM_001281494.2); c.3612-6_3612-1del (NM_001281492.2); c.4002-6_4002-1delTTTAAG (NM_000179.2).
Identifiers: ClinVar variation 920134 (VCV000920134.12), dbSNP rs1670205307, ClinGen allele CA1139656991.

ClinVar aggregate classification (germline): Conflicting classifications of pathogenicity. Review status: criteria provided, conflicting classifications (1 of 4 stars). 3 submissions from 3 submitters: Likely pathogenic (1); Uncertain significance (2). Last evaluated 2025-05-21.

Conditions:
Hereditary nonpolyposis colorectal neoplasms. Identifiers: MedGen C0009405, MeSH D003123.
Hereditary cancer-predisposing syndrome. Also called: Neoplastic Syndromes, Hereditary; Tumor predisposition; Hereditary Cancer Syndrome; Hereditary neoplastic syndrome. Identifiers: Orphanet 140162, MedGen C0027672, MeSH D009386, MONDO:0015356.

Submissions (3):

Color Diagnostics, LLC DBA Color Health
Classification: Likely pathogenic for Hereditary cancer-predisposing syndrome. Last evaluated: 2025-05-21. Review status: criteria provided, single submitter. Criteria: ACMG Guidelines, 2015. Collection method: clinical testing. Allele origin: germline.
Comment: This variant causes a deletion of 6 nucleotides in intron 9 splice acceptor site of the MSH6 gene, abolishing the canonical splice acceptor site. Splice site prediction tools suggest that this variant may have a significant impact on RNA splicing. Although this prediction has not been confirmed in published RNA studies, this variant is expected to result in an absent or disrupted protein product. This variant has not been reported in individuals affected with MSH6-related disorders in the literature. This variant has not been identified in the general population by the Genome Aggregation Database (gnomAD). Loss of MSH6 function is a known mechanism of disease. Based on the available evidence, this variant is classified as Likely Pathogenic.

Women's Health and Genetics/Laboratory Corporation of America, LabCorp
Classification: Uncertain significance. Last evaluated: 2024-12-20. Review status: criteria provided, single submitter. Criteria: LabCorp Variant Classification Summary - May 2015. Collection method: clinical testing. Allele origin: germline.
Comment: Variant summary: MSH6 c.4002-6_4002-1delTTTAAG is located in the last intron and spans a canonical splice-site that is predicted to affect mRNA splicing. Several computational tools predict a significant impact on normal splicing: Four tools predict this variant will abolish the canonical 3' splice acceptor site and three tools predict the creation of a new 3' acceptor site which is shifted 5 nucleotides downstream (3'), creating a frameshift which may result in a significantly altered protein or creation of an premature termination codon that is expected to escape nonsense mediated decay (NMD). However, these predictions have yet to be confirmed by functional studies. The variant was absent in 239160 control chromosomes (gnomAD). To our knowledge, no occurrence of c.4002-6_4002-1delTTTAAG in individuals affected with Lynch Syndrome and no experimental evidence demonstrating its impact on protein function have been reported in the literature. ClinVar contains an entry for this variant (Variation ID: 920134). Based on the evidence outlined above, the variant was classified as uncertain significance.

Labcorp Genetics (formerly Invitae), Labcorp
Classification: Uncertain significance for Hereditary nonpolyposis colorectal neoplasms. Last evaluated: 2024-03-06. Review status: criteria provided, single submitter. Criteria: Invitae Variant Classification Sherloc (09022015). Collection method: clinical testing. Allele origin: germline.
Comment: This sequence change affects a splice site in intron 9 of the MSH6 gene. While this variant is not anticipated to result in nonsense mediated decay, it likely alters RNA splicing and results in a disrupted protein product. This variant is not present in population databases (gnomAD no frequency). This variant has not been reported in the literature in individuals affected with MSH6-related conditions. ClinVar contains an entry for this variant (Variation ID: 920134). Variants that disrupt the consensus splice site are a relatively common cause of aberrant splicing (PMID: 17576681, 9536098). Algorithms developed to predict the effect of sequence changes on RNA splicing suggest that this variant may disrupt the consensus splice site. In summary, the available evidence is currently insufficient to determine the role of this variant in disease. Therefore, it has been classified as a Variant of Uncertain Significance.

Literature cited by the submitters: PubMed 17576681 (cited by Labcorp Genetics (formerly Invitae), Labcorp); PubMed 9536098 (cited by Labcorp Genetics (formerly Invitae), Labcorp).